The following is an entry in ClinVar:

ClinVar aggregate classification (germline): Uncertain significance (1 of 4 stars; one submission).

gnomAD v4.1: 8 of 1,612,950 alleles (0.0005%); highest among the groups gnomAD compares: East Asian, 0.013%; no homozygotes.

Submission:

GeneDx
Classification: Uncertain significance. Last evaluated: 2024-07-19. Review status: criteria provided, single submitter. Criteria: GeneDx Variant Classification Process June 2021. Collection method: clinical testing. Allele origin: germline. Affected: yes.
Comment: In silico analysis indicates that this missense variant does not alter protein structure/function; Has not been previously published as pathogenic or benign to our knowledge; Occurs in the triple helical domain at the Y position in the canonical Gly-X-Y repeat; although this variant may have an effect on normal protein folding and function, missense substitution at the Y position is not a common mechanism of disease

NM_000092.5(COL4A4):c.3793C>T (p.Pro1265Ser)

Gene: COL4A4 (collagen type IV alpha 4 chain; minus strand). Cytogenetic location: 2q36.3.
Variant type: single nucleotide variant.
Coding change: c.3793C>T on transcript NM_000092.5 (MANE Select); coding-DNA position 3793, C replaced by T.
Protein change: p.Pro1265Ser; replaces proline 1265 with serine.
Molecular consequence: missense variant.
Genome position (GRCh38, 1-based): chr2:227,031,969, G>A on the plus strand (C>T on the coding strand, the complement: COL4A4 is on the minus strand). VCF-style: chr2-227031969-G-A. GRCh37 (hg19) VCF-style: chr2-227896685-G-A.
Other names: short protein forms P1265S.
Identifiers: ClinVar variation 3573781 (VCV003573781.1).
Genomic context (GRCh38, chr2:227,031,969, plus strand): 5'-GGAGCACTGCCATCCTTTGTCATGATTCTCTCATACCTCTTGGGCCATCAGGACCAGGAG[G>A]TCCCTGATCTCCAGGTGGACCCGGGTCAGGAATGTCCTTAGGAGCTCTTCCTGTGGCACC-3'
Protein context (NP_000083.3, residues 1255-1275): PDPGPPGDQG[Pro1265Ser]PGPDGPRGAP